The following is an entry in ClinVar:

ClinVar aggregate classification (germline): Uncertain significance (1 of 4 stars; one submission).

Conditions:
Deficiency of adenosine deaminase 2. Also called: Polyarteritis nodosa, childhoood-onset; Adenosine Deaminase 2 Deficiency; VASCULITIS, AUTOINFLAMMATION, IMMUNODEFICIENCY, AND HEMATOLOGIC DEFECTS SYNDROME. Identifiers: Orphanet 404553, MedGen C3887654, MONDO:0014306, OMIM 615688, MONDO:0100317.

Allele frequency attached by ClinVar (database versions not stated): gnomAD 0.00001.
gnomAD v4.1: 6 of 1,613,646 alleles (0.00037%); highest among the groups gnomAD compares: East Asian, 0.0067%; no homozygotes.

Submission:

Labcorp Genetics (formerly Invitae), Labcorp
Classification: Uncertain significance for Deficiency of adenosine deaminase 2. Last evaluated: 2022-08-16. Review status: criteria provided, single submitter. Criteria: Invitae Variant Classification Sherloc (09022015). Collection method: clinical testing. Allele origin: germline.
Comment: This sequence change replaces asparagine, which is neutral and polar, with serine, which is neutral and polar, at codon 127 of the ADA2 protein (p.Asn127Ser). This variant is present in population databases (rs547716532, gnomAD 0.003%). This variant has not been reported in the literature in individuals affected with ADA2-related conditions. ClinVar contains an entry for this variant (Variation ID: 1051336). Algorithms developed to predict the effect of missense changes on protein structure and function are either unavailable or do not agree on the potential impact of this missense change (SIFT: "Deleterious"; PolyPhen-2: "Benign"; Align-GVGD: "Class C0"). In summary, the available evidence is currently insufficient to determine the role of this variant in disease. Therefore, it has been classified as a Variant of Uncertain Significance.

NM_001282225.2(ADA2):c.380A>G (p.Asn127Ser)

Gene: ADA2 (adenosine deaminase 2; minus strand). Cytogenetic location: 22q11.1.
Variant type: single nucleotide variant.
Coding change: c.380A>G on transcript NM_001282225.2 (MANE Select); coding-DNA position 380, A replaced by G.
Protein change: p.Asn127Ser; replaces asparagine 127 with serine.
Molecular consequence: missense variant.
Genome position (GRCh38, 1-based): chr22:17,207,233, T>C on the plus strand (A>G on the coding strand, the complement: ADA2 is on the minus strand). VCF-style: chr22-17207233-T-C. GRCh37 (hg19) VCF-style: chr22-17688123-T-C.
Other names: c.380A>G, p.Asn127Ser (NM_001282226.2); c.254A>G, p.Asn85Ser (NM_001282227.2, NM_001282228.2); c.20A>G, p.Asn7Ser (NM_001282229.2); short protein forms N127S, N7S, N85S.
Identifiers: ClinVar variation 1051336 (VCV001051336.6), dbSNP rs547716532, ClinGen allele CA10088246.